The following is an entry in ClinVar:

ClinVar aggregate classification (germline): Pathogenic/Likely pathogenic. Review status: criteria provided, multiple submitters, no conflicts (2 of 4 stars). 6 submissions from 6 submitters: Pathogenic (2); Likely pathogenic (3). 1 of the submissions does not count toward it. Last evaluated 2026-01-12.

Conditions:
Cardiovascular phenotype. Identifiers: MedGen CN230736.
Dilated cardiomyopathy 1G (CMD1G). Identifiers: Orphanet 154, MedGen C1858763, MONDO:0011400, OMIM 604145.
Autosomal recessive limb-girdle muscular dystrophy type 2J (LGMDR10). Also called: MUSCULAR DYSTROPHY, LIMB-GIRDLE, AUTOSOMAL RECESSIVE 10; Limb-girdle muscular dystrophy, type 2J. Identifiers: Orphanet 140922, MedGen C1837342, MONDO:0012127, OMIM 608807.
Primary dilated cardiomyopathy (DCM). Also called: Dilated Cardiomyopathy. Identifiers: Orphanet 217604, MedGen C0007193, MeSH D002311, MONDO:0005021, HP:0001644. Inheritance: Various modes of inheritance.

Submissions (6):

Labcorp Genetics (formerly Invitae), Labcorp
Classification: Pathogenic for Dilated cardiomyopathy 1G; Autosomal recessive limb-girdle muscular dystrophy type 2J. Last evaluated: 2026-01-12. Review status: criteria provided, single submitter. Criteria: Invitae Variant Classification Sherloc (09022015). Collection method: clinical testing. Allele origin: germline.
Comment: This sequence change creates a premature translational stop signal (p.Ser30763Argfs*7) in the TTN gene. While this is not anticipated to result in nonsense mediated decay, it is expected to create a truncated TTN protein. This variant is present in population databases (rs756367933, gnomAD 0.008%). This premature translational stop signal has been observed in individuals with atrial fibrillation and/or dilated cardiomyopathy (PMID: 31112426, 31691645, 34495297; internal data). ClinVar contains an entry for this variant (Variation ID: 223354). This variant is located in the A band of TTN (PMID: 25589632). Truncating variants in this region are significantly overrepresented in patients affected with dilated cardiomyopathy (PMID: 25589632). Truncating variants in this region have also been reported in individuals affected with autosomal recessive centronuclear myopathy (PMID: 23975875). For these reasons, this variant has been classified as Pathogenic.

GeneDx
Classification: Pathogenic. Last evaluated: 2025-08-24. Review status: criteria provided, single submitter. Criteria: GeneDx Variant Classification Process June 2021. Collection method: clinical testing. Allele origin: germline. Affected: yes.
Comment: Frameshift variant predicted to result in protein truncation or nonsense mediated decay in a gene for which loss of function is a known mechanism of disease; Not observed at significant frequency in large population cohorts (gnomAD); Located in the A-band, a region of TTN for which truncating variants are significantly associated with autosomal dominant cardiomyopathy and also with autosomal recessive skeletal myopathies (PMID: 22335739, 32778822); This variant is associated with the following publications: (PMID: 35177841, 31112426, 34495297, 31691645, 25589632, 22335739, 32778822)

Ambry Genetics
Classification: Likely pathogenic for Cardiovascular phenotype. Last evaluated: 2025-02-11. Review status: criteria provided, single submitter. Criteria: Ambry Variant Classification Scheme 2023. Collection method: clinical testing. Allele origin: germline.
Comment: The c.65089_65093dupAAAAG variant, located in coding exon 166 of the TTN gene, results from a duplication of AAAAG at nucleotide position 65089, causing a translational frameshift with a predicted alternate stop codon (p.S21698Rfs*7). This exon is located in the A-band region of the N2-B isoform of the titin protein and is constitutively expressed in TTN transcripts (percent spliced in or PSI 100%). This variant has been reported in the Jackson Heart Study cohort with alternate nomenclature (NM_001267550.1:c.92284_92288dupAAAG p.S30763Rfs*7); however, clinical details were limited (Roberts AM et al. Sci Transl Med, 2015 Jan;7:270ra6). This alteration is expected to result in loss of function by premature protein truncation or nonsense-mediated mRNA decay. While truncating variants in TTN are present in 1-3% of the general population, truncating variants in the A-band are the most common cause of dilated cardiomyopathy (DCM) (Herman DS et al. N. Engl. J. Med., 2012 Feb;366:619-28; Roberts AM et al. Sci Transl Med, 2015 Jan;7:270ra6). TTN truncating variants encoded in constitutive exons (PSI >90%) have been found to be significantly associated with DCM regardless of their position in titin (Schafer S et al. Nat. Genet., 2017 01;49:46-53). This variant is considered to be rare based on population cohorts in the Genome Aggregation Database (gnomAD). As such, this alteration is classified as likely pathogenic.

Illumina Laboratory Services, Illumina
Classification: Likely pathogenic for Dilated cardiomyopathy 1G. Last evaluated: 2023-06-13. Review status: criteria provided, single submitter. Criteria: ICSLVariantClassificationCriteria RUGD 01 April 2020. Collection method: clinical testing. Allele origin: unknown.
Comment: The TTN c.92284_92288dup (p.Ser30763ArgfsTer7) variant causes a shift in the protein reading frame that is predicted to result in premature termination of the protein. Loss of normal protein function through either protein truncation or nonsense-mediated mRNA decay is expected. This variant is located in exon 339 of the meta transcript of titin within the A-band, which is highly expressed in cardiac tissue (PMID: 25589632). In a meta-analysis of TTN truncating variants in dilated cardiomyopathy (DCM) patients and controls, variants in this region were associated with a significantly increased risk of developing DCM (odds ratio 49.8) (PMID: 27869827). This variant has been reported in a heterozygous state in one individual with DCM (PMID: 31112426). This variant is not observed at a significant frequency in version 2.1.1 or version 3.1.2 of the Genome Aggregation Database. Based on the available evidence, the c.92284_92288dup (p.Ser30763ArgfsTer7) variant is classified as likely pathogenic for dilated cardiomyopathy.

Clinical Genomics Laboratory, Stanford Medicine
Classification: Likely pathogenic for Dilated cardiomyopathy 1G. Last evaluated: 2021-11-29. Review status: criteria provided, single submitter. Criteria: ACMG Guidelines, 2015. Collection method: clinical testing. Allele origin: germline. Inheritance: Autosomal dominant inheritance. Affected: yes. Observed: 1 variant allele, 1 heterozygote.
Comment: The p.Ser30763Argfs*7 variant in the TTN gene has been previously reported in an individual with early-onset atrial fibrillation (PMID: 34495297) and in two individuals in a large community-based cohort with no phenotypic details provided (PMID: 25589632). This variant has been identified in 2/280,424 chromosomes by the Genome Aggregation Database. Although this variant has been seen in the general population, its frequency is low enough to be consistent with the prevalence of dilated cardiomyopathy. This variant leads to a premature stop codon in exon 339 of 363 exons; however, premature termination at this location of the TTN gene may not undergo nonsense-mediated decay, increasing the likelihood of an expressed protein. The p.Ser30763Argfs*7 variant is located in the A-band of the titin protein. Loss-of-function variants in the A-band have an established association with dilated cardiomyopathy (PMID: 32160020). These data were assessed using the ACMG/AMP variant interpretation guidelines. In summary, there is sufficient evidence to classify the p.Ser30763Argfs*7 variant as likely pathogenic for autosomal dominant dilated cardiomyopathy based on the information above. [ACMG evidence codes used: PVS1_Strong; PM2]

Cardiovascular Biomedical Research Unit, Royal Brompton & Harefield NHS Foundation Trust
Classification: Uncertain significance for Primary dilated cardiomyopathy. Last evaluated: 2014-10-08. Review status: flagged submission. Criteria: Roberts et al. 2015. Collection method: research. Allele origin: germline. Inheritance: Autosomal dominant inheritance. Affected: no. Observed: 2 variant alleles. Study: JHS cohort. Not counted in ClinVar's aggregate classification.
Comment: This TTN truncating variant (TTNtv) was identified in two individuals in this cohort and is located in an exon that is highly expressed in the heart. In the seven cohorts assessed, TTNtv were found in 14% of ambulant DCM, 22% end-stage or familial DCM, and 2% controls. Heterozygous nonsense, frameshift and canonical splice-disrupting variants found in constitutive and other highly utilised exons are highly likely to be pathogenic when identified in individuals with phenotypically confirmed DCM. TTNtv found incidentally in healthy individuals (excluding familial assessment of DCM relatives) are thought to have low penetrance, particularly when identified in exons that are not constitutively expressed in the heart.
ClinVar note: Reason: Older and outlier claim with insufficient supporting evidence

Literature cited by the submitters: PubMed 31112426 (cited by Labcorp Genetics (formerly Invitae), Labcorp and Illumina Laboratory Services, Illumina); PubMed 31691645 (cited by Labcorp Genetics (formerly Invitae), Labcorp); PubMed 34495297 (cited by Labcorp Genetics (formerly Invitae), Labcorp and Clinical Genomics Laboratory, Stanford Medicine); PubMed 25589632 (cited by 4 submitters); PubMed 23975875 (cited by Labcorp Genetics (formerly Invitae), Labcorp); PubMed 27869827 (cited by Illumina Laboratory Services, Illumina); PubMed 32160020 (cited by Clinical Genomics Laboratory, Stanford Medicine).

NM_001267550.2(TTN):c.92284_92288dup (p.Ser30763fs)

Genes: TTN-AS1 (TTN antisense RNA 1; plus strand), TTN (titin; minus strand). Cytogenetic location: 2q31.2.
Variant type: Microsatellite.
Coding change: c.92284_92288dup on transcript NM_001267550.2 (MANE Select); coding-DNA positions 92284 to 92288, 5 bases duplicated (AAAAG; older notation c.92284_92288dupAAAAG).
Protein change: p.Ser30763fs; shifts the reading frame from serine 30763.
Molecular consequence: frameshift variant.
Genome position (GRCh38, 1-based): chr2:178,549,338-178,549,342, CTTTT duplicated on the plus strand (AAAAG on the coding strand, the reverse complement: TTN is on the minus strand); duplicating any 5 consecutive bases within chr2:178,549,338-178,549,349 gives the same sequence; the c. name uses the placement nearest the transcript's 3' end. VCF-style (leftmost placement, unchanged base first): chr2-178549337-G-GCTTTT. GRCh37 (hg19) VCF-style: chr2-179414064-G-GCTTTT.
Other names: c.65089_65093dupAAAAG (NM_003319.4); c.92284_92288dup (NM_001267550.1, LRG_391t1); c.87361_87365dup, p.Ser29122fs (NM_001256850.1); c.65089_65093dup, p.Ser21698fs (NM_003319.4); c.84580_84584dup, p.Ser28195fs (NM_133378.4); c.65464_65468dup, p.Ser21823fs (NM_133432.3); c.65665_65669dup, p.Ser21890fs (NM_133437.4); c.92284_92288dupAAAAG (NM_001267550.2); and 1 more; short protein forms S21823fs, S30763fs, S21890fs, S28195fs, S21698fs, S29122fs.
Identifiers: ClinVar variation 223354 (VCV000223354.20), dbSNP rs756367933, ClinGen allele CA352444.
Genomic context (GRCh38, chr2:178,549,337, plus strand): 5'-AGTGACTTTGAATCTTGTTTCAGAGATTGGTCGTTTGCTGATCACTTTTACCCATCTTGT[G>GCTTTT]CTTTTCTTTTCTCTTCTTTCAAGGATATACTGTTGAATTTCACTGCCACCATCTGATTCT-3'